The following is an entry in ClinVar:

NM_025137.4(SPG11):c.7023C>T (p.Tyr2341=)

Gene: SPG11 (SPG11 vesicle trafficking associated, spatacsin; minus strand). Cytogenetic location: 15q21.1.
Variant type: single nucleotide variant.
Coding change: c.7023C>T on transcript NM_025137.4 (MANE Select); coding-DNA position 7023, C replaced by T.
Protein change: p.Tyr2341=; no amino-acid change (tyrosine 2341 retained).
Molecular consequence: synonymous variant.
Genome position (GRCh38, 1-based): chr15:44,564,675, G>A on the plus strand (C>T on the coding strand, the complement: SPG11 is on the minus strand). VCF-style: chr15-44564675-G-A. GRCh37 (hg19) VCF-style: chr15-44856873-G-A.
Other names: p.Tyr2341=; c.6684C>T, p.Tyr2228= (NM_001160227.2).
Identifiers: ClinVar variation 41357 (VCV000041357.24), dbSNP rs80338869, ClinGen allele CA344390.

ClinVar aggregate classification (germline): Conflicting classifications of pathogenicity. Review status: criteria provided, conflicting classifications (1 of 4 stars). 9 submissions from 8 submitters: Uncertain significance (1); Benign (5); Likely benign (1). 2 of the submissions do not count toward it. Last evaluated 2026-02-03.

Conditions:
Hereditary spastic paraplegia. Also called: Familial spastic paraparesis. Identifiers: Orphanet 685, MedGen C0037773, MONDO:0019064. Disease mechanism: loss of function.
Hereditary spastic paraplegia 11. Also called: SPASTIC PARAPLEGIA, AUTOSOMAL RECESSIVE, COMPLICATED, WITH THIN CORPUS CALLOSUM; SPASTIC PARAPLEGIA, AUTOSOMAL RECESSIVE, WITH MENTAL IMPAIRMENT AND THIN CORPUS CALLOSUM; Spastic Paraplegia 11; Spastic paraplegia, mental retardation and thin corpus callosum; Nakamura Osame syndrome; Autosomal recessive hereditary spastic paraplegia, mental impairment, and thin corpus callosum. Identifiers: Orphanet 2822, MedGen C1858479, MONDO:0011445, OMIM 604360.

Allele frequency attached by ClinVar (database versions not stated): ESP Exome Variant Server 0.02186; 1000 Genomes Project 30x 0.01093; 1000 Genomes Project 0.01178; TOPMed 0.01871; gnomAD exomes 0.02054.
gnomAD v4.1: 41,603 of 1,613,970 alleles (2.6%); highest among the groups gnomAD compares: Middle Eastern, 4.6%; 655 homozygotes.

Submissions (9):

Labcorp Genetics (formerly Invitae), Labcorp
Classification: Benign for Hereditary spastic paraplegia 11. Last evaluated: 2026-02-03. Review status: criteria provided, single submitter. Criteria: Invitae Variant Classification Sherloc (09022015). Collection method: clinical testing. Allele origin: germline.

Blueprint Genetics
Classification: Likely benign. Last evaluated: 2024-11-27. Review status: criteria provided, single submitter. Criteria: ACMG Guidelines, 2015. Collection method: clinical testing. Allele origin: germline.

Genome Diagnostics Laboratory, The Hospital for Sick Children
Classification: Benign for Hereditary spastic paraplegia. Last evaluated: 2021-06-18. Review status: criteria provided, single submitter. Criteria: ACMG Guidelines, 2015. Collection method: clinical testing. Allele origin: germline. Affected: yes.

Illumina Laboratory Services, Illumina
Classification: Uncertain significance for Hereditary spastic paraplegia 11. Last evaluated: 2017-04-27. Review status: criteria provided, single submitter. Criteria: ICSL Variant Classification Criteria 13 December 2019. Collection method: clinical testing. Allele origin: germline.

Mayo Clinic Laboratories, Mayo Clinic
Classification: Benign. Last evaluated: 2016-03-24. Review status: criteria provided, single submitter. Criteria: ACMG Guidelines, 2015. Collection method: clinical testing. Allele origin: germline. Observed: 194 variant alleles.

GeneDx
Classification: Benign. Last evaluated: 2016-03-10. Review status: criteria provided, single submitter. Criteria: GeneDx Variant Classification (06012015). Collection method: clinical testing. Allele origin: germline. Affected: yes.
Comment: This variant is considered likely benign or benign based on one or more of the following criteria: it is a conservative change, it occurs at a poorly conserved position in the protein, it is predicted to be benign by multiple in silico algorithms, and/or has population frequency not consistent with disease.

Genome Diagnostics Laboratory, University Medical Center Utrecht
Classification: Benign for Hereditary spastic paraplegia 11. Last evaluated: 2014-10-10. Review status: criteria provided, single submitter. Criteria: ACGS Guidelines, 2013. Collection method: clinical testing. Allele origin: germline. Affected: yes. Study: VKGL Data-share Consensus.

Genome Diagnostics Laboratory, Amsterdam University Medical Center
Classification: Likely benign for Hereditary spastic paraplegia 11. Last evaluated: 2017-06-22. Review status: no assertion criteria provided. Criteria: ACGS Guidelines, 2013. Collection method: clinical testing. Allele origin: germline. Affected: yes. Study: VKGL Data-share Consensus. Not counted in ClinVar's aggregate classification.

Genome Diagnostics Laboratory, Amsterdam University Medical Center
Classification: Benign. Review status: no assertion criteria provided. Collection method: clinical testing. Allele origin: germline. Affected: yes. Study: VKGL Data-share Consensus. Not counted in ClinVar's aggregate classification.